The following is an entry in ClinVar:

NM_032608.7(MYO18B):c.7166C>T (p.Ser2389Phe)

Gene: MYO18B (myosin XVIIIB; plus strand). Cytogenetic location: 22q12.1.
Variant type: single nucleotide variant.
Coding change: c.7166C>T on transcript NM_032608.7 (MANE Select); coding-DNA position 7166, C replaced by T.
Protein change: p.Ser2389Phe; replaces serine 2389 with phenylalanine.
Molecular consequence: missense variant.
Genome position (GRCh38, 1-based): chr22:26,027,140, C>T. VCF-style: chr22-26027140-C-T. GRCh37 (hg19) VCF-style: chr22-26423106-C-T.
Other names: c.7169C>T, p.Ser2390Phe (NM_001318245.2); c.7166C>T (NM_032608.5); short protein forms S2389F, S2390F.
Identifiers: ClinVar variation 1902726 (VCV001902726.4), dbSNP rs560456298, ClinGen allele CA10161710.
Genomic context (GRCh38, chr22:26,027,140, plus strand): 5'-CCACACCCAGGGACATGCTGTTGTCGCCCACACTGCGTCCTCGGAGGCGGTGTCTGGAGT[C>T]CTCTGTGGACGATGCGGGCTGTCCAGACCTTGGAAAGGAGCCGCTTGTTTTCCAGAACCG-3'
Protein context (NP_115997.5, residues 2379-2399): TLRPRRRCLE[Ser2389Phe]SVDDAGCPDL

ClinVar aggregate classification (germline): Uncertain significance. Review status: criteria provided, multiple submitters, no conflicts (2 of 4 stars). 3 submissions from 3 submitters: Uncertain significance (3). Last evaluated 2025-01-03.

Conditions:
Klippel-Feil anomaly-myopathy-facial dysmorphism syndrome. Also called: Klippel-feil syndrome 4, autosomal recessive, with nemaline myopathy and facial dysmorphism; Klippel-Feil syndrome 4, autosomal recessive, with myopathy and facial dysmorphism. Identifiers: Orphanet 447974, MedGen C4225285, MONDO:0014689, OMIM 616549.
Inborn genetic diseases. Identifiers: MedGen C0950123, MeSH D030342.

Allele frequency attached by ClinVar (database versions not stated): ExAC 0.00006; gnomAD 0.00001; 1000 Genomes Project 30x 0.00016; 1000 Genomes Project 0.00020; gnomAD exomes 0.00003.
gnomAD v4.1: 40 of 1,613,998 alleles (0.0025%); highest among the groups gnomAD compares: South Asian, 0.042%; 1 homozygote.

Submissions (3):

Ambry Genetics
Classification: Uncertain significance for Inborn genetic diseases. Last evaluated: 2025-01-03. Review status: criteria provided, single submitter. Criteria: Ambry Variant Classification Scheme 2023. Collection method: clinical testing. Allele origin: germline.

Revvity Omics, Revvity
Classification: Uncertain significance for Klippel-Feil anomaly-myopathy-facial dysmorphism syndrome. Last evaluated: 2023-09-01. Review status: criteria provided, single submitter. Criteria: ACMG Guidelines, 2015. Collection method: clinical testing. Allele origin: germline.

Labcorp Genetics (formerly Invitae), Labcorp
Classification: Uncertain significance. Last evaluated: 2022-01-21. Review status: criteria provided, single submitter. Criteria: Invitae Variant Classification Sherloc (09022015). Collection method: clinical testing. Allele origin: germline.
Comment: This sequence change replaces serine, which is neutral and polar, with phenylalanine, which is neutral and non-polar, at codon 2389 of the MYO18B protein (p.Ser2389Phe). This variant is present in population databases (rs560456298, gnomAD 0.06%). This variant has not been reported in the literature in individuals affected with MYO18B-related conditions. Algorithms developed to predict the effect of missense changes on protein structure and function are either unavailable or do not agree on the potential impact of this missense change (SIFT: "Not Available"; PolyPhen-2: "Possibly Damaging"; Align-GVGD: "Not Available"). In summary, the available evidence is currently insufficient to determine the role of this variant in disease. Therefore, it has been classified as a Variant of Uncertain Significance.